The following is an entry in ClinVar:

ClinVar aggregate classification (germline): Conflicting classifications of pathogenicity. Review status: criteria provided, conflicting classifications (1 of 4 stars). 4 submissions from 4 submitters: Uncertain significance (2); Likely benign (1). 1 of the submissions does not count toward it. Last evaluated 2025-09-26.

Conditions:
Granulomatous disease, chronic, X-linked. Also called: CYTOCHROME b-NEGATIVE GRANULOMATOUS DISEASE, CHRONIC, X-LINKED; GRANULOMATOUS DISEASE, CHRONIC, X-LINKED, SOMATIC MOSAIC. Identifiers: Orphanet 379, MedGen C1844376, MONDO:0010600, OMIM 306400.
Inborn genetic diseases. Identifiers: MedGen C0950123, MeSH D030342.
Chronic granulomatous disease. Identifiers: Orphanet 379, MedGen C0018203, MONDO:0018305.

Allele frequency attached by ClinVar (database versions not stated): ExAC 0.00002; gnomAD exomes 0.00003 and 0.00011; gnomAD 0.00005 and 0.00007; TOPMed 0.00007.
gnomAD v4.1: 124 of 1,209,143 alleles (0.01%); highest among the groups gnomAD compares: Non-Finnish European, 0.013%; 1 homozygote.

Submissions (4):

Ambry Genetics
Classification: Uncertain significance for Inborn genetic diseases. Last evaluated: 2025-09-26. Review status: criteria provided, single submitter. Criteria: Ambry Variant Classification Scheme 2023. Collection method: clinical testing. Allele origin: germline.

Labcorp Genetics (formerly Invitae), Labcorp
Classification: Uncertain significance for Granulomatous disease, chronic, X-linked. Last evaluated: 2024-10-10. Review status: criteria provided, single submitter. Criteria: Invitae Variant Classification Sherloc (09022015). Collection method: clinical testing. Allele origin: germline.
Comment: This sequence change replaces aspartic acid, which is acidic and polar, with valine, which is neutral and non-polar, at codon 447 of the CYBB protein (p.Asp447Val). This variant is present in population databases (rs781944350, gnomAD 0.007%), including at least one homozygous and/or hemizygous individual. This variant has not been reported in the literature in individuals affected with CYBB-related conditions. ClinVar contains an entry for this variant (Variation ID: 965226). Invitae Evidence Modeling of protein sequence and biophysical properties (such as structural, functional, and spatial information, amino acid conservation, physicochemical variation, residue mobility, and thermodynamic stability) has been performed for this missense variant. However, the output from this modeling did not meet the statistical confidence thresholds required to predict the impact of this variant on CYBB protein function. In summary, the available evidence is currently insufficient to determine the role of this variant in disease. Therefore, it has been classified as a Variant of Uncertain Significance.

Blueprint Genetics
Classification: Likely benign. Last evaluated: 2024-03-13. Review status: criteria provided, single submitter. Criteria: ACMG Guidelines, 2015. Collection method: clinical testing. Allele origin: germline.

Natera, Inc.
Classification: Uncertain significance for Chronic granulomatous disease. Last evaluated: 2020-02-04. Review status: no assertion criteria provided. Collection method: clinical testing. Allele origin: germline. Not counted in ClinVar's aggregate classification.

NM_000397.4(CYBB):c.1340A>T (p.Asp447Val)

Gene: CYBB (cytochrome b-245 beta chain; plus strand). Cytogenetic location: Xp11.4.
Variant type: single nucleotide variant.
Coding change: c.1340A>T on transcript NM_000397.4 (MANE Select); coding-DNA position 1340, A replaced by T.
Protein change: p.Asp447Val; replaces aspartic acid 447 with valine.
Molecular consequence: missense variant.
Genome position (GRCh38, 1-based): chrX:37,806,412, A>T. VCF-style: chrX-37806412-A-T. GRCh37 (hg19) VCF-style: chrX-37665665-A-T.
Other names: short protein forms D447V.
Identifiers: ClinVar variation 965226 (VCV000965226.9), dbSNP rs781944350, ClinGen allele CA10383884.